The following is an entry in ClinVar:

NM_021815.5(SLC5A7):c.665C>T (p.Ala222Val)

Gene: SLC5A7 (solute carrier family 5 member 7; plus strand). Cytogenetic location: 2q12.3.
Variant type: single nucleotide variant.
Coding change: c.665C>T on transcript NM_021815.5 (MANE Select); coding-DNA position 665, C replaced by T.
Protein change: p.Ala222Val; replaces alanine 222 with valine.
Molecular consequence: missense variant. On other transcripts: 5 prime UTR variant (1).
Genome position (GRCh38, 1-based): chr2:108,001,964, C>T. VCF-style: chr2-108001964-C-T. GRCh37 (hg19) VCF-style: chr2-108618420-C-T.
Other names: c.665C>T, p.Ala222Val (NM_001305005.3); c.350C>T, p.Ala117Val (NM_001305006.3); c.-77C>T (NM_001305007.3); short protein forms A222V, A117V.
Identifiers: ClinVar variation 1437454 (VCV001437454.9), dbSNP rs1351029450, ClinGen allele CA348112853.
Genomic context (GRCh38, chr2:108,001,964, plus strand): 5'-GCGTCCCCTTTGCATTGTCACATCCTGCAGTCGCAGACATCGGGTTCACTGCTGTGCATG[C>T]CAAATACCAAAAGCCGTGGCTGGGAACTGTTGACTCATCTGAAGTCTACTCTTGGCTTGA-3'
Protein context (NP_068587.1, residues 212-232): VADIGFTAVH[Ala222Val]KYQKPWLGTV

ClinVar aggregate classification (germline): Uncertain significance. Review status: criteria provided, multiple submitters, no conflicts (2 of 4 stars). 2 submissions from 2 submitters: Uncertain significance (2). Last evaluated 2024-03-23.

Conditions:
Neuronopathy, distal hereditary motor, type 7A. Also called: Neuronopathy, distal hereditary motor, type viia; HARPER-YOUNG MYOPATHY; HMN VIIA; SPINAL MUSCULAR ATROPHY, DISTAL, WITH VOCAL CORD PARALYSIS; NEURONOPATHY, DISTAL HEREDITARY MOTOR, HARDING TYPE VIIA; NEUROPATHY, DISTAL HEREDITARY MOTOR, HARDING TYPE VIIA. Identifiers: Orphanet 139589, MedGen C1834703, MONDO:0008024, OMIM 158580.
Congenital myasthenic syndrome 20. Also called: Myasthenic syndrome, congenital, 20, presynaptic. Identifiers: MedGen C4310694, MONDO:0014939, OMIM 617143.

Allele frequency attached by ClinVar (database versions not stated): TOPMed below 0.00001; gnomAD 0.00001.

Submissions (2):

Labcorp Genetics (formerly Invitae), Labcorp
Classification: Uncertain significance for Neuronopathy, distal hereditary motor, type 7A; Congenital myasthenic syndrome 20. Last evaluated: 2024-03-23. Review status: criteria provided, single submitter. Criteria: Invitae Variant Classification Sherloc (09022015). Collection method: clinical testing. Allele origin: germline.
Comment: This sequence change replaces alanine, which is neutral and non-polar, with valine, which is neutral and non-polar, at codon 222 of the SLC5A7 protein (p.Ala222Val). This variant is not present in population databases (gnomAD no frequency). This variant has not been reported in the literature in individuals affected with SLC5A7-related conditions. ClinVar contains an entry for this variant (Variation ID: 1437454). Advanced modeling of protein sequence and biophysical properties (such as structural, functional, and spatial information, amino acid conservation, physicochemical variation, residue mobility, and thermodynamic stability) performed at Invitae indicates that this missense variant is not expected to disrupt SLC5A7 protein function with a negative predictive value of 80%. In summary, the available evidence is currently insufficient to determine the role of this variant in disease. Therefore, it has been classified as a Variant of Uncertain Significance.

Fulgent Genetics
Classification: Uncertain significance for Neuronopathy, distal hereditary motor, type 7A; Congenital myasthenic syndrome 20. Last evaluated: 2022-02-14. Review status: criteria provided, single submitter. Criteria: ACMG Guidelines, 2015. Collection method: clinical testing. Allele origin: unknown.